The following is an entry in ClinVar:

ClinVar aggregate classification (germline): Uncertain significance (1 of 4 stars; one submission).

gnomAD v4.1: 3 of 1,613,408 alleles (0.00019%); highest among the groups gnomAD compares: East Asian, 0.0022%; no homozygotes.

Submission:

Women's Health and Genetics/Laboratory Corporation of America, LabCorp
Classification: Uncertain significance. Last evaluated: 2025-06-19. Review status: criteria provided, single submitter. Criteria: LabCorp Variant Classification Summary - May 2015. Collection method: clinical testing. Allele origin: germline.
Comment: Variant summary: CRB2 c.2006A>C (p.Asn669Thr) results in a non-conservative amino acid change located in the Laminin G domain (IPR001791) of the encoded protein sequence. Algorithms developed to predict the effect of missense changes on protein structure and function are either unavailable or do not agree on the potential impact of this missense change. The variant allele was found at a frequency of 4e-06 in 251160 control chromosomes. The available data on variant occurrences in the general population are insufficient to allow any conclusion about variant significance. To our knowledge, no occurrence of c.2006A>C in individuals affected with Focal Segmental Glomerulosclerosis 9 and no experimental evidence demonstrating its impact on protein function have been reported. No submitters have cited clinical-significance assessments for this variant to ClinVar. Based on the evidence outlined above, the variant was classified as uncertain significance.

NM_173689.7(CRB2):c.2006A>C (p.Asn669Thr)

Gene: CRB2 (crumbs cell polarity complex component 2; plus strand). Cytogenetic location: 9q33.3.
Variant type: single nucleotide variant.
Coding change: c.2006A>C on transcript NM_173689.7 (MANE Select); coding-DNA position 2006, A replaced by C.
Protein change: p.Asn669Thr; replaces asparagine 669 with threonine.
Molecular consequence: missense variant. On other transcripts: non-coding transcript variant (1).
Genome position (GRCh38, 1-based): chr9:123,371,148, A>C. VCF-style: chr9-123371148-A-C. GRCh37 (hg19) VCF-style: chr9-126133427-A-C.
Other names: short protein forms N669T.
Identifiers: ClinVar variation 3907634 (VCV003907634.1).